The following is an entry in ClinVar:

NM_152594.3(SPRED1):c.156G>C (p.Glu52Asp)

Gene: SPRED1 (sprouty related EVH1 domain containing 1; plus strand). Cytogenetic location: 15q14.
Variant type: single nucleotide variant.
Coding change: c.156G>C on transcript NM_152594.3 (MANE Select); coding-DNA position 156, G replaced by C.
Protein change: p.Glu52Asp; replaces glutamic acid 52 with aspartic acid.
Molecular consequence: missense variant.
Genome position (GRCh38, 1-based): chr15:38,299,496, G>C. VCF-style: chr15-38299496-G-C. GRCh37 (hg19) VCF-style: chr15-38591697-G-C.
Other names: c.156G>C (NM_152594.2); short protein forms E52D.
Identifiers: ClinVar variation 1903887 (VCV001903887.6), dbSNP rs2542661117, ClinGen allele CA391934350.

ClinVar aggregate classification (germline): Uncertain significance. Review status: criteria provided, multiple submitters, no conflicts (2 of 4 stars). 2 submissions from 2 submitters: Uncertain significance (2). Last evaluated 2025-05-31.

Conditions:
Cardiovascular phenotype. Identifiers: MedGen CN230736.
Legius syndrome. Identifiers: Orphanet 137605, MedGen C1969623, MONDO:0012669, OMIM 611431. Disease mechanism: loss of function.

Allele frequency attached by ClinVar (database versions not stated): gnomAD exomes 0.00001.
gnomAD v4.1: 17 of 1,614,046 alleles (0.0011%); highest among the groups gnomAD compares: Non-Finnish European, 0.0014%; no homozygotes.

Submissions (2):

Ambry Genetics
Classification: Uncertain significance for Cardiovascular phenotype. Last evaluated: 2025-05-31. Review status: criteria provided, single submitter. Criteria: Ambry Variant Classification Scheme 2023. Collection method: clinical testing. Allele origin: germline.
Comment: The p.E52D variant (also known as c.156G>C), located in coding exon 2 of the SPRED1 gene, results from a G to C substitution at nucleotide position 156. The glutamic acid at codon 52 is replaced by aspartic acid, an amino acid with highly similar properties. This amino acid position is conserved. In addition, this alteration is predicted to be tolerated by in silico analysis. Based on the available evidence, the clinical significance of this variant remains unclear.

Labcorp Genetics (formerly Invitae), Labcorp
Classification: Uncertain significance for Legius syndrome. Last evaluated: 2023-03-22. Review status: criteria provided, single submitter. Criteria: Invitae Variant Classification Sherloc (09022015). Collection method: clinical testing. Allele origin: germline.
Comment: Advanced modeling of protein sequence and biophysical properties (such as structural, functional, and spatial information, amino acid conservation, physicochemical variation, residue mobility, and thermodynamic stability) performed at Invitae indicates that this missense variant is not expected to disrupt SPRED1 protein function. This sequence change replaces glutamic acid, which is acidic and polar, with aspartic acid, which is acidic and polar, at codon 52 of the SPRED1 protein (p.Glu52Asp). This variant is not present in population databases (gnomAD no frequency). This variant has not been reported in the literature in individuals affected with SPRED1-related conditions. ClinVar contains an entry for this variant (Variation ID: 1903887). In summary, the available evidence is currently insufficient to determine the role of this variant in disease. Therefore, it has been classified as a Variant of Uncertain Significance.